The following is an entry in ClinVar:

ClinVar aggregate classification (germline): Uncertain significance. Review status: criteria provided, multiple submitters, no conflicts (2 of 4 stars). 2 submissions from 2 submitters: Uncertain significance (2). Last evaluated 2025-06-21.

Conditions:
Intellectual developmental disorder, X-linked 108. Also called: MENTAL RETARDATION, X-LINKED 108. Identifiers: MedGen C5193009, MONDO:0026723, OMIM 301024.

Allele frequency attached by ClinVar (database versions not stated): TOPMed below 0.00001; ExAC 0.00001; gnomAD 0.00002; gnomAD exomes 0.00002.
gnomAD v4.1: 24 of 1,209,195 alleles (0.002%); highest among the groups gnomAD compares: Non-Finnish European, 0.0023%; no homozygotes.

Submissions (2):

GeneDx
Classification: Uncertain significance. Last evaluated: 2025-06-21. Review status: criteria provided, single submitter. Criteria: GeneDx Variant Classification Process June 2021. Collection method: clinical testing. Allele origin: germline. Affected: yes.
Comment: In silico analysis suggests that this missense variant does not alter protein structure/function; Has not been previously published as pathogenic or benign to our knowledge

Revvity Omics, Revvity
Classification: Uncertain significance for Intellectual developmental disorder, X-linked 108. Last evaluated: 2021-11-15. Review status: criteria provided, single submitter. Criteria: ACMG Guidelines, 2015. Collection method: clinical testing. Allele origin: germline.

NM_001257291.2(SLC9A7):c.1999G>A (p.Gly667Arg)

Gene: SLC9A7 (solute carrier family 9 member A7; minus strand). Cytogenetic location: Xp11.3.
Variant type: single nucleotide variant.
Coding change: c.1999G>A on transcript NM_001257291.2 (MANE Select); coding-DNA position 1999, G replaced by A.
Protein change: p.Gly667Arg; replaces glycine 667 with arginine.
Molecular consequence: missense variant.
Genome position (GRCh38, 1-based): chrX:46,607,134, C>T on the plus strand (G>A on the coding strand, the complement: SLC9A7 is on the minus strand). VCF-style: chrX-46607134-C-T. GRCh37 (hg19) VCF-style: chrX-46466569-C-T.
Other names: c.1996G>A, p.Gly666Arg (NM_032591.3); c.1999G>A (NM_001257291.1); short protein forms G666R, G667R.
Identifiers: ClinVar variation 2436079 (VCV002436079.4), dbSNP rs762603592, ClinGen allele CA10393720.